The following is an entry in ClinVar:

NM_000257.4(MYH7):c.1755C>T (p.Ile585=)

Gene: MYH7 (myosin heavy chain 7; minus strand). Cytogenetic location: 14q11.2.
Variant type: single nucleotide variant.
Coding change: c.1755C>T on transcript NM_000257.4 (MANE Select); coding-DNA position 1755, C replaced by T.
Protein change: p.Ile585=; no amino-acid change (isoleucine 585 retained).
Molecular consequence: synonymous variant.
Genome position (GRCh38, 1-based): chr14:23,427,718, G>A on the plus strand (C>T on the coding strand, the complement: MYH7 is on the minus strand). VCF-style: chr14-23427718-G-A. GRCh37 (hg19) VCF-style: chr14-23896927-G-A.
Other names: c.1755C>T (LRG_384t1).
Identifiers: ClinVar variation 194465 (VCV000194465.58), dbSNP rs201860580, ClinGen allele CA011203.
Genomic context (GRCh38, chr14:23,427,718, plus strand): 5'-GACAGTCTCATTGAGAGGATCCTTGTTCTTCTGCAGCCAGCCAATGATGTTGTAGTCCAC[G>A]ATGCCGGCATAGTGGATCAGGGAGAAGTGGGCTTCAGGCTTCCCCTTGATATTGCGTGGC-3'
Protein context (NP_000248.2, residues 575-595): AHFSLIHYAG[Ile585=]VDYNIIGWLQ

ClinVar aggregate classification (germline): Conflicting classifications of pathogenicity. Review status: criteria provided, conflicting classifications (1 of 4 stars). 9 submissions from 9 submitters: Uncertain significance (1); Likely benign (8). Last evaluated 2026-01-24.

Conditions:
Cardiovascular phenotype. Identifiers: MedGen CN230736.
Cardiomyopathy (CMYO). Also called: Cardiomyopathies. Identifiers: Orphanet 167848, MedGen C0878544, MONDO:0004994, HP:0001638. Inheritance: Various modes of inheritance.
Hypertrophic cardiomyopathy. Also called: HYPERTROPHIC MYOCARDIOPATHY. Identifiers: Orphanet 217569, MedGen C0007194, MeSH D002312, MONDO:0005045, HP:0001639.

Allele frequency attached by ClinVar (database versions not stated): TOPMed 0.00002.
gnomAD v4.1: 29 of 1,614,074 alleles (0.0018%); highest among the groups gnomAD compares: Middle Eastern, 0.049%; 1 homozygote.

Submissions (9):

Labcorp Genetics (formerly Invitae), Labcorp
Classification: Likely benign for Hypertrophic cardiomyopathy. Last evaluated: 2026-01-24. Review status: criteria provided, single submitter. Criteria: Invitae Variant Classification Sherloc (09022015). Collection method: clinical testing. Allele origin: germline.

Blueprint Genetics
Classification: Likely benign. Last evaluated: 2024-07-09. Review status: criteria provided, single submitter. Criteria: ACMG Guidelines, 2015. Collection method: clinical testing. Allele origin: germline.

All of Us Research Program, National Institutes of Health
Classification: Likely benign for Cardiomyopathy. Last evaluated: 2023-09-17. Review status: criteria provided, single submitter. Criteria: ACMG Guidelines, 2015. Collection method: clinical testing. Allele origin: germline. Inheritance: Autosomal dominant inheritance. Observed: 7 variant alleles, 7 heterozygotes.
Comment: This study involves interpretation of variants in research participants for the purpose of population health screening. Participant phenotype was not available at the time of variant classification. Additional details can be found in publication PMID: 35346344, PMCID: PMC8962531

CeGaT Center for Human Genetics Tuebingen
Classification: Likely benign. Last evaluated: 2023-01-01. Review status: criteria provided, single submitter. Criteria: CeGaT Center For Human Genetics Tuebingen Variant Classification Criteria Version 2. Collection method: clinical testing. Allele origin: germline. Affected: yes. Observed: 2 variant alleles.
Comment: MYH7: BP4, BP7

Ambry Genetics
Classification: Likely benign for Cardiovascular phenotype. Last evaluated: 2021-09-27. Review status: criteria provided, single submitter. Criteria: Ambry Variant Classification Scheme 2023. Collection method: clinical testing. Allele origin: germline.

Color Diagnostics, LLC DBA Color Health
Classification: Likely benign for Cardiomyopathy. Last evaluated: 2019-04-14. Review status: criteria provided, single submitter. Criteria: ACMG Guidelines, 2015. Collection method: clinical testing. Allele origin: germline.

GeneDx
Classification: Likely benign. Last evaluated: 2018-11-23. Review status: criteria provided, single submitter. Criteria: GeneDx Variant Classification Process June 2021. Collection method: clinical testing. Allele origin: germline. Affected: yes.

CHEO Genetics Diagnostic Laboratory, Children's Hospital of Eastern Ontario
Classification: Likely benign for Cardiomyopathy. Last evaluated: 2017-06-30. Review status: criteria provided, single submitter. Criteria: ACMG Guidelines, 2015. Collection method: clinical testing. Allele origin: germline. Study: Canadian Open Genetics Repository.

Eurofins Ntd Llc (ga)
Classification: Uncertain significance. Last evaluated: 2014-11-21. Review status: criteria provided, single submitter. Criteria: EGL Classification Definitions 2015. Collection method: clinical testing. Allele origin: germline. Observed: 1 variant allele, 1 heterozygote.

Literature cited by the submitters: PubMed 20800588 (cited by Ambry Genetics); PubMed 24503780 (cited by Ambry Genetics); PubMed 33297573 (cited by Ambry Genetics).